The following is an entry in ClinVar:

ClinVar aggregate classification (germline): Uncertain significance (1 of 4 stars; one submission).

Submission:

GeneDx
Classification: Uncertain significance. Last evaluated: 2023-12-15. Review status: criteria provided, single submitter. Criteria: GeneDx Variant Classification Process June 2021. Collection method: clinical testing. Allele origin: germline. Affected: yes.
Comment: Not observed at significant frequency in large population cohorts (gnomAD); In silico analysis supports that this missense variant does not alter protein structure/function; Has not been previously published as pathogenic or benign to our knowledge

NM_078480.3(PUF60):c.19G>C (p.Ala7Pro)

Genes: PUF60 (poly(U) binding splicing factor 60; minus strand), LOC126860549 (MED14-independent group 3 enhancer GRCh37_chr8:144911577-144912776; plus strand). Cytogenetic location: 8q24.3.
Variant type: single nucleotide variant.
Coding change: c.19G>C on transcript NM_078480.3 (MANE Select); coding-DNA position 19, G replaced by C.
Protein change: p.Ala7Pro; replaces alanine 7 with proline.
Molecular consequence: missense variant.
Genome position (GRCh38, 1-based): chr8:143,829,285, C>G on the plus strand (G>C on the coding strand, the complement: PUF60 is on the minus strand). VCF-style: chr8-143829285-C-G. GRCh37 (hg19) VCF-style: chr8-144911455-C-G.
Other names: c.19G>C, p.Ala7Pro (NM_001271096.2, NM_001271097.2, NM_001271098.2 and 2 more transcripts); short protein forms A7P.
Identifiers: ClinVar variation 3365450 (VCV003365450.1).
Genomic context (GRCh38, chr8:143,829,285, plus strand): 5'-ACGACCCGGCCCCGCAAGCCGAGGGCCGCCCGCGCTCATGGGGGGGCTCACTTACGAGAG[C>G]TATGGTCGCCGTCGCCATCTTGCGTCCGTCGCGGCCTCCGCGCGCGCCTCCCACTCTTGC-3'
Protein context (NP_510965.1, residues 1-17): MATATI[Ala7Pro]LQVNGQQGGG